The following is an entry in ClinVar:

ClinVar aggregate classification (germline): Likely benign. Review status: criteria provided, multiple submitters, no conflicts (2 of 4 stars). 2 submissions from 2 submitters: Likely benign (2). Last evaluated 2023-03-23.

Conditions:
Catecholaminergic polymorphic ventricular tachycardia (CVPT). Also called: Catecholamine-induced polymorphic ventricular tachycardia. Identifiers: Orphanet 3286, MedGen C5574922, MONDO:0017990.
Catecholaminergic polymorphic ventricular tachycardia 1. Also called: VENTRICULAR TACHYCARDIA, CATECHOLAMINERGIC POLYMORPHIC, 1, WITH OR WITHOUT ATRIAL DYSFUNCTION AND/OR DILATED CARDIOMYOPATHY; RYR2-Related Catecholaminergic Polymorphic Ventricular Tachycardia; VENTRICULAR TACHYCARDIA, STRESS-INDUCED POLYMORPHIC 1. Identifiers: Orphanet 3286, MedGen C1631597, MONDO:0011484, OMIM 604772.

Submissions (2):

All of Us Research Program, National Institutes of Health
Classification: Likely benign for Catecholaminergic polymorphic ventricular tachycardia. Last evaluated: 2023-03-23. Review status: criteria provided, single submitter. Criteria: ACMG Guidelines, 2015. Collection method: clinical testing. Allele origin: germline. Inheritance: Autosomal dominant inheritance. Observed: 1 variant allele, 1 heterozygote.
Comment: This study involves interpretation of variants in research participants for the purpose of population health screening. Participant phenotype was not available at the time of variant classification. Additional details can be found in publication PMID: 35346344, PMCID: PMC8962531

Labcorp Genetics (formerly Invitae), Labcorp
Classification: Likely benign for Catecholaminergic polymorphic ventricular tachycardia 1. Last evaluated: 2021-09-20. Review status: criteria provided, single submitter. Criteria: Invitae Variant Classification Sherloc (09022015). Collection method: clinical testing. Allele origin: germline.

NM_001035.3(RYR2):c.14259A>G (p.Leu4753=)

Gene: RYR2 (ryanodine receptor 2; plus strand). Cytogenetic location: 1q43.
Variant type: single nucleotide variant.
Coding change: c.14259A>G on transcript NM_001035.3 (MANE Select); coding-DNA position 14259, A replaced by G.
Protein change: p.Leu4753=; no amino-acid change (leucine 4753 retained).
Molecular consequence: synonymous variant.
Genome position (GRCh38, 1-based): chr1:237,806,244, A>G. VCF-style: chr1-237806244-A-G. GRCh37 (hg19) VCF-style: chr1-237969544-A-G.
Identifiers: ClinVar variation 1584955 (VCV001584955.10), dbSNP rs1660620758, ClinGen allele CA424051654.